The following is an entry in ClinVar:

ClinVar aggregate classification (germline): Uncertain significance (1 of 4 stars; one submission).

Conditions:
Bardet-Biedl syndrome (BBS). Identifiers: Orphanet 110, MedGen C0752166, MONDO:0015229.

Allele frequency attached by ClinVar (database versions not stated): gnomAD exomes below 0.00001.
gnomAD v4.1: 1 of 1,614,232 alleles (0.000062%); highest among the groups gnomAD compares: Non-Finnish European, 0.000085%; no homozygotes.

Submission:

Labcorp Genetics (formerly Invitae), Labcorp
Classification: Uncertain significance for Bardet-Biedl syndrome. Last evaluated: 2022-01-13. Review status: criteria provided, single submitter. Criteria: Invitae Variant Classification Sherloc (09022015). Collection method: clinical testing. Allele origin: germline.
Comment: In summary, the available evidence is currently insufficient to determine the role of this variant in disease. Therefore, it has been classified as a Variant of Uncertain Significance. Algorithms developed to predict the effect of missense changes on protein structure and function are either unavailable or do not agree on the potential impact of this missense change (SIFT: "Deleterious"; PolyPhen-2: "Benign"; Align-GVGD: "Class C35"). This variant has not been reported in the literature in individuals affected with BBS2-related conditions. This variant is present in population databases (no rsID available, gnomAD 0.0009%). This sequence change replaces tyrosine, which is neutral and polar, with asparagine, which is neutral and polar, at codon 498 of the BBS2 protein (p.Tyr498Asn).

NM_031885.5(BBS2):c.1492T>A (p.Tyr498Asn)

Gene: BBS2 (Bardet-Biedl syndrome 2; minus strand). Cytogenetic location: 16q13.
Variant type: single nucleotide variant.
Coding change: c.1492T>A on transcript NM_031885.5 (MANE Select); coding-DNA position 1492, T replaced by A.
Protein change: p.Tyr498Asn; replaces tyrosine 498 with asparagine.
Molecular consequence: missense variant. On other transcripts: non-coding transcript variant (5).
Genome position (GRCh38, 1-based): chr16:56,499,813, A>T on the plus strand (T>A on the coding strand, the complement: BBS2 is on the minus strand). VCF-style: chr16-56499813-A-T. GRCh37 (hg19) VCF-style: chr16-56533725-A-T.
Other names: c.1492T>A, p.Tyr498Asn (NM_001377456.1); short protein forms Y498N.
Identifiers: ClinVar variation 1484297 (VCV001484297.8), dbSNP rs1261310336, ClinGen allele CA395977747.